The following is an entry in ClinVar:

ClinVar aggregate classification (germline): Uncertain significance. Review status: criteria provided, multiple submitters, no conflicts (2 of 4 stars). 2 submissions from 2 submitters: Uncertain significance (2). Last evaluated 2025-10-15.

Conditions:
Inborn genetic diseases. Identifiers: MedGen C0950123, MeSH D030342.

gnomAD v4.1: 13 of 1,614,064 alleles (0.00081%); highest among the groups gnomAD compares: Non-Finnish European, 0.0011%; no homozygotes.

Submissions (2):

Ambry Genetics
Classification: Uncertain significance for Inborn genetic diseases. Last evaluated: 2025-10-15. Review status: criteria provided, single submitter. Criteria: Ambry Variant Classification Scheme 2023. Collection method: clinical testing. Allele origin: germline.

Labcorp Genetics (formerly Invitae), Labcorp
Classification: Uncertain significance. Last evaluated: 2023-07-17. Review status: criteria provided, single submitter. Criteria: Invitae Variant Classification Sherloc (09022015). Collection method: clinical testing. Allele origin: germline.
Comment: In summary, the available evidence is currently insufficient to determine the role of this variant in disease. Therefore, it has been classified as a Variant of Uncertain Significance. Advanced modeling of protein sequence and biophysical properties (such as structural, functional, and spatial information, amino acid conservation, physicochemical variation, residue mobility, and thermodynamic stability) performed at Invitae indicates that this missense variant is not expected to disrupt FLNB protein function. This variant has not been reported in the literature in individuals affected with FLNB-related conditions. This variant is present in population databases (rs149182236, gnomAD 0.002%). This sequence change replaces serine, which is neutral and polar, with tryptophan, which is neutral and slightly polar, at codon 2496 of the FLNB protein (p.Ser2496Trp).

NM_001457.4(FLNB):c.7487C>G (p.Ser2496Trp)

Genes: FLNB (filamin B; plus strand), FLNB-AS1 (FLNB antisense RNA 1; minus strand). Cytogenetic location: 3p14.3.
Variant type: single nucleotide variant.
Coding change: c.7487C>G on transcript NM_001457.4 (MANE Select); coding-DNA position 7487, C replaced by G.
Protein change: p.Ser2496Trp; replaces serine 2496 with tryptophan.
Molecular consequence: missense variant.
Genome position (GRCh38, 1-based): chr3:58,169,659, C>G. VCF-style: chr3-58169659-C-G. GRCh37 (hg19) VCF-style: chr3-58155386-C-G.
Other names: c.7487C>G (NM_001457.3); c.7580C>G, p.Ser2527Trp (NM_001164317.2); c.7454C>G, p.Ser2485Trp (NM_001164318.2); c.7415C>G, p.Ser2472Trp (NM_001164319.2); short protein forms S2472W, S2485W, S2527W, S2496W.
Identifiers: ClinVar variation 3003459 (VCV003003459.4), dbSNP rs149182236, ClinGen allele CA2469702.